The following is an entry in ClinVar:

NM_004304.5(ALK):c.3262A>G (p.Ile1088Val)

Gene: ALK (ALK receptor tyrosine kinase; minus strand). Cytogenetic location: 2p23.2.
Variant type: single nucleotide variant.
Coding change: c.3262A>G on transcript NM_004304.5 (MANE Select); coding-DNA position 3262, A replaced by G.
Protein change: p.Ile1088Val; replaces isoleucine 1088 with valine.
Molecular consequence: missense variant.
Genome position (GRCh38, 1-based): chr2:29,223,439, T>C on the plus strand (A>G on the coding strand, the complement: ALK is on the minus strand). VCF-style: chr2-29223439-T-C. GRCh37 (hg19) VCF-style: chr2-29446305-T-C.
Other names: c.58A>G, p.Ile20Val (NM_001353765.2); short protein forms I1088V, I20V.
Identifiers: ClinVar variation 404379 (VCV000404379.10), dbSNP rs1060500228, ClinGen allele CA16610777.

ClinVar aggregate classification (germline): Uncertain significance. Review status: criteria provided, multiple submitters, no conflicts (2 of 4 stars). 2 submissions from 2 submitters: Uncertain significance (2). Last evaluated 2023-06-05.

Conditions:
Hereditary cancer-predisposing syndrome. Also called: Tumor predisposition; Neoplastic Syndromes, Hereditary; Hereditary Cancer Syndrome; Hereditary neoplastic syndrome. Identifiers: Orphanet 140162, MedGen C0027672, MeSH D009386, MONDO:0015356.
Neuroblastoma, susceptibility to, 3. Also called: ALK-Related Neuroblastic Tumor Susceptibility. Identifiers: Orphanet 635, MedGen C2751681, MONDO:0013083, OMIM 613014.

Submissions (2):

Ambry Genetics
Classification: Uncertain significance for Hereditary cancer-predisposing syndrome. Last evaluated: 2023-06-05. Review status: criteria provided, single submitter. Criteria: Ambry Variant Classification Scheme 2023. Collection method: clinical testing. Allele origin: germline.
Comment: The p.I1088V variant (also known as c.3262A>G), located in coding exon 20 of the ALK gene, results from an A to G substitution at nucleotide position 3262. The isoleucine at codon 1088 is replaced by valine, an amino acid with highly similar properties. This amino acid position is conserved. In addition, this alteration is predicted to be tolerated by in silico analysis. Since supporting evidence is limited at this time, the clinical significance of this alteration remains unclear.

Labcorp Genetics (formerly Invitae), Labcorp
Classification: Uncertain significance for Neuroblastoma, susceptibility to, 3. Last evaluated: 2016-10-25. Review status: criteria provided, single submitter. Criteria: Invitae Variant Classification Sherloc (09022015). Collection method: clinical testing. Allele origin: germline.
Comment: This sequence change replaces isoleucine with valine at codon 1088 of the ALK protein (p.Ile1088Val). The isoleucine residue is highly conserved and there is a small physicochemical difference between isoleucine and valine. This variant is not present in population databases (ExAC no frequency) and has not been reported in the literature in individuals with a ALK-related disease. Algorithms developed to predict the effect of missense changes on protein structure and function (SIFT, PolyPhen-2, Align-GVGD) all suggest that this variant is likely to be tolerated, but these predictions have not been confirmed by published functional studies. In summary, this variant is a novel missense change that is not predicted to affect protein function. There is no indication that it causes disease, but the available evidence is currently insufficient to prove that conclusively. Therefore, it has been classified as a Variant of Uncertain Significance.